The following is an entry in ClinVar:

ClinVar aggregate classification (germline): Conflicting classifications of pathogenicity. Review status: criteria provided, conflicting classifications (1 of 4 stars). 3 submissions from 3 submitters: Uncertain significance (2); Likely benign (1). Last evaluated 2025-10-23.

Conditions:
Inborn genetic diseases. Identifiers: MedGen C0950123, MeSH D030342.
Autosomal dominant intellectual disability-craniofacial anomalies-cardiac defects syndrome (ARTHS). Also called: Arboleda-Tham syndrome; Mental retardation, autosomal dominant 32; KAT6A syndrome. Identifiers: Orphanet 457193, MedGen C4225396, MONDO:0014558, OMIM 616268.

Allele frequency attached by ClinVar (database versions not stated): ExAC 0.00001; gnomAD 0.00001; gnomAD exomes 0.00001; TOPMed 0.00002.
gnomAD v4.1: 14 of 1,614,108 alleles (0.00087%); highest among the groups gnomAD compares: Admixed American, 0.0017%; no homozygotes.

Submissions (3):

Labcorp Genetics (formerly Invitae), Labcorp
Classification: Likely benign. Last evaluated: 2025-10-23. Review status: criteria provided, single submitter. Criteria: Invitae Variant Classification Sherloc (09022015). Collection method: clinical testing. Allele origin: germline.

Dasa
Classification: Uncertain significance for Autosomal dominant intellectual disability-craniofacial anomalies-cardiac defects syndrome. Last evaluated: 2025-09-05. Review status: criteria provided, single submitter. Criteria: DASA Assertion Criteria. Collection method: clinical testing. Allele origin: germline.
Comment: NM_006766.5(KAT6A):c.389A>G (p.Asp130Gly) is a missense variant that results in the substitution of aspartic acid with glycine. This variant is rare in population databases. The currently available literature and clinical evidence are not sufficient to establish a definitive association between this variant and the reported condition. Therefore, this variant is classified as a variant of uncertain significance.

Ambry Genetics
Classification: Uncertain significance for Inborn genetic diseases. Last evaluated: 2021-12-03. Review status: criteria provided, single submitter. Criteria: Ambry Variant Classification Scheme 2023. Collection method: clinical testing. Allele origin: germline.

NM_006766.5(KAT6A):c.389A>G (p.Asp130Gly)

Gene: KAT6A (lysine acetyltransferase 6A; minus strand). Cytogenetic location: 8p11.21.
Variant type: single nucleotide variant.
Coding change: c.389A>G on transcript NM_006766.5 (MANE Select); coding-DNA position 389, A replaced by G.
Protein change: p.Asp130Gly; replaces aspartic acid 130 with glycine.
Molecular consequence: missense variant.
Genome position (GRCh38, 1-based): chr8:42,048,589, T>C on the plus strand (A>G on the coding strand, the complement: KAT6A is on the minus strand). VCF-style: chr8-42048589-T-C. GRCh37 (hg19) VCF-style: chr8-41906107-T-C.
Other names: c.389A>G, p.Asp130Gly (NM_001305878.2); short protein forms D130G.
Identifiers: ClinVar variation 2263904 (VCV002263904.5), dbSNP rs754672983, ClinGen allele CA4730442.